The following is an entry in ClinVar:

ClinVar aggregate classification (germline): Likely benign. Review status: criteria provided, single submitter (1 of 4 stars). 2 submissions from 2 submitters: Likely benign (1). 1 of the submissions does not count toward it. Last evaluated 2025-11-08.

Conditions:
Severe combined immunodeficiency due to CORO1A deficiency. Also called: Immunodeficiency 8; IMMUNODEFICIENCY 8 WITH LYMPHOPROLIFERATION. Identifiers: Orphanet 228003, MedGen C3809383, MONDO:0014168, OMIM 615401.
CORO1A-related disorder. Also called: CORO1A-related condition.

Allele frequency attached by ClinVar (database versions not stated): gnomAD exomes 0.00005; ESP Exome Variant Server 0.00023; gnomAD 0.00001; ExAC 0.00002; TOPMed 0.00004.
gnomAD v4.1: 70 of 1,613,958 alleles (0.0043%); highest among the groups gnomAD compares: Middle Eastern, 0.016%; no homozygotes.

Submissions (2):

Labcorp Genetics (formerly Invitae), Labcorp
Classification: Likely benign for Severe combined immunodeficiency due to CORO1A deficiency. Last evaluated: 2025-11-08. Review status: criteria provided, single submitter. Criteria: Invitae Variant Classification Sherloc (09022015). Collection method: clinical testing. Allele origin: germline.

PreventionGenetics, part of Exact Sciences
Classification: Likely benign for CORO1A-related condition. Last evaluated: 2019-04-01. Review status: no assertion criteria provided. Collection method: clinical testing. Allele origin: germline. Not counted in ClinVar's aggregate classification.
Comment: This variant is classified as likely benign based on ACMG/AMP sequence variant interpretation guidelines (Richards et al. 2015 PMID: 25741868, with internal and published modifications).

NM_007074.4(CORO1A):c.495G>A (p.Ala165=)

Gene: CORO1A (coronin 1A; plus strand). Cytogenetic location: 16p11.2.
Variant type: single nucleotide variant.
Coding change: c.495G>A on transcript NM_007074.4 (MANE Select); coding-DNA position 495, G replaced by A.
Protein change: p.Ala165=; no amino-acid change (alanine 165 retained).
Molecular consequence: synonymous variant.
Genome position (GRCh38, 1-based): chr16:30,187,082, G>A. VCF-style: chr16-30187082-G-A. GRCh37 (hg19) VCF-style: chr16-30198403-G-A.
Other names: c.495G>A, p.Ala165= (NM_001193333.3).
Identifiers: ClinVar variation 3047325 (VCV003047325.4), dbSNP rs374849081, ClinGen allele CA8003147.
Genomic context (GRCh38, chr16:30,187,082, plus strand): 5'-CTGTGGGGAACGTGCAGGTTGTGACAACGTGATCATGGTGTGGGACGTGGGCACTGGGGC[G>A]GCCATGCTGACACTGGGCCCAGAGGTGCACCCAGACACGATCTACAGTGTGGACTGGAGC-3'
Protein context (NP_009005.1, residues 155-175): VIMVWDVGTG[Ala165=]AMLTLGPEVH